The following is an entry in ClinVar:

NM_025114.4(CEP290):c.6249_6252del (p.Asn2083fs)

Gene: CEP290 (centrosomal protein 290; minus strand). Cytogenetic location: 12q21.32.
Variant type: Deletion.
Coding change: c.6249_6252del on transcript NM_025114.4 (MANE Select); coding-DNA positions 6249 to 6252, 4 bases deleted (TAAA; older notation c.6249_6252delTAAA).
Protein change: p.Asn2083fs; shifts the reading frame from asparagine 2083.
Molecular consequence: frameshift variant.
Genome position (GRCh38, 1-based): chr12:88,063,999-88,064,002, TTTA deleted on the plus strand (TAAA on the coding strand, the reverse complement: CEP290 is on the minus strand); deleting any 4 consecutive bases within chr12:88,063,999-88,064,005 gives the same sequence; the c. name uses the placement nearest the transcript's 3' end. VCF-style (leftmost placement, unchanged base first): chr12-88063998-CTTTA-C. GRCh37 (hg19) VCF-style: chr12-88457775-CTTTA-C.
Other names: c.6249_6252delTAAA (NM_025114.4); short protein forms N2083fs.
Identifiers: ClinVar variation 2169172 (VCV002169172.6), dbSNP rs2499617642, ClinGen allele CA2580086745.

ClinVar aggregate classification (germline): Pathogenic/Likely pathogenic. Review status: criteria provided, multiple submitters, no conflicts (2 of 4 stars). 3 submissions from 3 submitters: Pathogenic (1); Likely pathogenic (2). Last evaluated 2025-03-27.

Conditions:
Senior-Loken syndrome 6 (SLSN6). Identifiers: Orphanet 3156, MedGen C1857779, MONDO:0012433, OMIM 610189.
Meckel syndrome, type 4 (MKS4). Also called: MECKEL-GRUBER SYNDROME, TYPE 4. Identifiers: Orphanet 564, MedGen C1970161, MONDO:0012626, OMIM 611134.
Joubert syndrome 5 (JBTS5). Identifiers: Orphanet 2318, MedGen C1857780, MONDO:0012432, OMIM 610188.
Bardet-Biedl syndrome 14 (BBS14). Identifiers: Orphanet 110, MedGen C2673874, MONDO:0014442, OMIM 615991.
Leber congenital amaurosis 10 (LCA10). Identifiers: Orphanet 65, MedGen C1857821, MONDO:0012723, OMIM 611755.
Nephronophthisis. Also called: Juvenile Nephronophthisis. Identifiers: Orphanet 655, MedGen C0687120, MONDO:0019005, HP:0000090.
Joubert syndrome. Also called: Familial aplasia of the vermis; JOUBERT-BOLTSHAUSER SYNDROME. Identifiers: Orphanet 475, MedGen C5979921, MONDO:0018772.
Meckel-Gruber syndrome. Also called: Dysencephalia splachnocystica; DYSENCEPHALIA SPLANCHNOCYSTICA; GRUBER SYNDROME. Identifiers: Orphanet 564, MedGen C0265215, MONDO:0018921.
CEP290-related disorder. Also called: CEP290-related condition; CEP290-related disorders. Identifiers: MedGen CN239314.

Submissions (3):

First Genomix Gene Laboratory, Genetic Diagnostics Department
Classification: Likely pathogenic for Bardet-Biedl syndrome 14; Joubert syndrome 5; Meckel syndrome, type 4; Senior-Loken syndrome 6; Leber congenital amaurosis 10. Last evaluated: 2025-03-27. Review status: criteria provided, single submitter. Criteria: ACMG Guidelines, 2015. Collection method: clinical testing. Allele origin: germline. Inheritance: Autosomal recessive inheritance. Affected: no. Observed: 1 variant allele.

Labcorp Genetics (formerly Invitae), Labcorp
Classification: Pathogenic for Joubert syndrome; Meckel-Gruber syndrome; Nephronophthisis. Last evaluated: 2022-06-17. Review status: criteria provided, single submitter. Criteria: Invitae Variant Classification Sherloc (09022015). Collection method: clinical testing. Allele origin: germline.
Comment: This variant is not present in population databases (gnomAD no frequency). This sequence change creates a premature translational stop signal (p.Asn2083Lysfs*6) in the CEP290 gene. It is expected to result in an absent or disrupted protein product. Loss-of-function variants in CEP290 are known to be pathogenic (PMID: 16909394, 17345604, 20690115). For these reasons, this variant has been classified as Pathogenic. This variant has not been reported in the literature in individuals affected with CEP290-related conditions.

Blueprint Genetics
Classification: Likely pathogenic for CEP290-related disorders. Last evaluated: 2022-05-10. Review status: criteria provided, single submitter. Criteria: ACMG Guidelines, 2015. Collection method: clinical testing. Allele origin: germline. Affected: yes. Observed: 1 variant allele.

Literature cited by the submitters: PubMed 16909394 (cited by Labcorp Genetics (formerly Invitae), Labcorp); PubMed 17345604 (cited by Labcorp Genetics (formerly Invitae), Labcorp); PubMed 20690115 (cited by Labcorp Genetics (formerly Invitae), Labcorp).